The following is an entry in ClinVar:

ClinVar aggregate classification (germline): Uncertain significance. Review status: criteria provided, multiple submitters, no conflicts (2 of 4 stars). 2 submissions from 2 submitters: Uncertain significance (2). Last evaluated 2024-07-19.

Conditions:
Familial sleep-related hypermotor epilepsy. Also called: Autosomal Dominant Sleep-Related Hypermotor (Hyperkinetic) Epilepsy. Identifiers: Orphanet 98784, MedGen C3696898, MONDO:0000030.
Inborn genetic diseases. Identifiers: MedGen C0950123, MeSH D030342.

Submissions (2):

Labcorp Genetics (formerly Invitae), Labcorp
Classification: Uncertain significance. Last evaluated: 2024-07-19. Review status: criteria provided, single submitter. Criteria: Invitae Variant Classification Sherloc (09022015). Collection method: clinical testing. Allele origin: germline.
Comment: This sequence change replaces arginine, which is basic and polar, with glycine, which is neutral and non-polar, at codon 241 of the CHRNA4 protein (p.Arg241Gly). This variant is not present in population databases (gnomAD no frequency). This variant has not been reported in the literature in individuals affected with CHRNA4-related conditions. ClinVar contains an entry for this variant (Variation ID: 1757757). Advanced modeling of protein sequence and biophysical properties (such as structural, functional, and spatial information, amino acid conservation, physicochemical variation, residue mobility, and thermodynamic stability) performed at Invitae indicates that this missense variant is expected to disrupt CHRNA4 protein function with a positive predictive value of 80%. In summary, the available evidence is currently insufficient to determine the role of this variant in disease. Therefore, it has been classified as a Variant of Uncertain Significance.

Ambry Genetics
Classification: Uncertain significance for Inborn genetic diseases. Last evaluated: 2017-12-20. Review status: criteria provided, single submitter. Criteria: Ambry Variant Classification Scheme 2023. Collection method: clinical testing. Allele origin: germline.
Comment: The p.R241G variant (also known as c.721C>G), located in coding exon 5 of the CHRNA4 gene, results from a C to G substitution at nucleotide position 721. The arginine at codon 241 is replaced by glycine, an amino acid with dissimilar properties. This amino acid position is highly conserved in available vertebrate species. In addition, this alteration is predicted to be deleterious by in silico analysis. Since supporting evidence is limited at this time, the clinical significance of this alteration remains unclear.

NM_000744.7(CHRNA4):c.721C>G (p.Arg241Gly)

Gene: CHRNA4 (cholinergic receptor nicotinic alpha 4 subunit; minus strand). Cytogenetic location: 20q13.33.
Variant type: single nucleotide variant.
Coding change: c.721C>G on transcript NM_000744.7 (MANE Select); coding-DNA position 721, C replaced by G.
Protein change: p.Arg241Gly; replaces arginine 241 with glycine.
Molecular consequence: missense variant. On other transcripts: non-coding transcript variant (1).
Genome position (GRCh38, 1-based): chr20:63,350,690, G>C on the plus strand (C>G on the coding strand, the complement: CHRNA4 is on the minus strand). VCF-style: chr20-63350690-G-C. GRCh37 (hg19) VCF-style: chr20-61982042-G-C.
Other names: c.193C>G, p.Arg65Gly (NM_001256573.2); short protein forms R241G, R65G.
Identifiers: ClinVar variation 1757757 (VCV001757757.7), dbSNP rs1555837978, ClinGen allele CA409637008.